The following is an entry in ClinVar:

ClinVar aggregate classification (germline): Uncertain significance (1 of 4 stars; one submission).

Conditions:
Vici syndrome (VICIS). Identifiers: Orphanet 1493, MedGen C1855772, MONDO:0009452, OMIM 242840.

Submission:

Labcorp Genetics (formerly Invitae), Labcorp
Classification: Uncertain significance for Vici syndrome. Last evaluated: 2022-08-21. Review status: criteria provided, single submitter. Criteria: Invitae Variant Classification Sherloc (09022015). Collection method: clinical testing. Allele origin: germline.
Comment: In summary, the available evidence is currently insufficient to determine the role of this variant in disease. Therefore, it has been classified as a Variant of Uncertain Significance. Algorithms developed to predict the effect of missense changes on protein structure and function (SIFT, PolyPhen-2, Align-GVGD) all suggest that this variant is likely to be tolerated. This variant has not been reported in the literature in individuals affected with EPG5-related conditions. This variant is not present in population databases (gnomAD no frequency). This sequence change replaces methionine, which is neutral and non-polar, with lysine, which is basic and polar, at codon 2271 of the EPG5 protein (p.Met2271Lys).

NM_020964.3(EPG5):c.6812T>A (p.Met2271Lys)

Gene: EPG5 (ectopic P-granules 5 autophagy tethering factor; minus strand). Cytogenetic location: 18q12.3.
Variant type: single nucleotide variant.
Coding change: c.6812T>A on transcript NM_020964.3 (MANE Select); coding-DNA position 6812, T replaced by A.
Protein change: p.Met2271Lys; replaces methionine 2271 with lysine.
Molecular consequence: missense variant.
Genome position (GRCh38, 1-based): chr18:45,860,301, A>T on the plus strand (T>A on the coding strand, the complement: EPG5 is on the minus strand). VCF-style: chr18-45860301-A-T. GRCh37 (hg19) VCF-style: chr18-43440266-A-T.
Other names: c.6812T>A, p.Met2271Lys (NM_001410858.1); c.6809T>A, p.Met2270Lys (NM_001410859.1); short protein forms M2270K, M2271K.
Identifiers: ClinVar variation 1717435 (VCV001717435.5), dbSNP rs2511459505, ClinGen allele CA402337740.